The following is an entry in ClinVar:

ClinVar aggregate classification (germline): Pathogenic. Review status: criteria provided, multiple submitters, no conflicts (2 of 4 stars). 2 submissions from 2 submitters: Pathogenic (2). Last evaluated 2023-11-20.

Conditions:
Peroxisome biogenesis disorder. Identifiers: Orphanet 79189, MedGen C1832200, MONDO:0019234. Disease mechanism: loss of function.

Allele frequency attached by ClinVar (database versions not stated): TOPMed below 0.00001; gnomAD exomes 0.00001 and 0.00002.
gnomAD v4.1: 26 of 1,613,394 alleles (0.0016%); highest among the groups gnomAD compares: Non-Finnish European, 0.0022%; no homozygotes.

Submissions (2):

Women's Health and Genetics/Laboratory Corporation of America, LabCorp
Classification: Pathogenic for Peroxisome biogenesis disorder. Last evaluated: 2023-11-20. Review status: criteria provided, single submitter. Criteria: LabCorp Variant Classification Summary - May 2015. Collection method: clinical testing. Allele origin: germline.
Comment: Variant summary: PEX3 c.17G>A (p.Trp6X) results in a premature termination codon, predicted to cause a truncation of the encoded protein or absence of the protein due to nonsense mediated decay, which are commonly known mechanisms for disease. The variant allele was found at a frequency of 8e-06 in 251346 control chromosomes. To our knowledge, no occurrence of c.17G>A in individuals affected with Zellweger Syndrome and no experimental evidence demonstrating its impact on protein function have been reported. One submitter has cited clinical-significance assessments for this variant to ClinVar after 2014 and has classified the variant as pathogenic. Based on the evidence outlined above, the variant was classified as pathogenic.

Labcorp Genetics (formerly Invitae), Labcorp
Classification: Pathogenic. Last evaluated: 2023-02-13. Review status: criteria provided, single submitter. Criteria: Invitae Variant Classification Sherloc (09022015). Collection method: clinical testing. Allele origin: germline.
Comment: For these reasons, this variant has been classified as Pathogenic. ClinVar contains an entry for this variant (Variation ID: 1457724). This sequence change creates a premature translational stop signal (p.Trp6*) in the PEX3 gene. It is expected to result in an absent or disrupted protein product. Loss-of-function variants in PEX3 are known to be pathogenic (PMID: 10942428, 21031596). This variant is present in population databases (no rsID available, gnomAD 0.002%). This variant has not been reported in the literature in individuals affected with PEX3-related conditions.

Literature cited by the submitters: PubMed 10942428 (cited by Labcorp Genetics (formerly Invitae), Labcorp); PubMed 21031596 (cited by Labcorp Genetics (formerly Invitae), Labcorp).

NM_003630.3(PEX3):c.17G>A (p.Trp6Ter)

Gene: PEX3 (peroxisomal biogenesis factor 3; plus strand). Cytogenetic location: 6q24.2.
Variant type: single nucleotide variant.
Coding change: c.17G>A on transcript NM_003630.3 (MANE Select); coding-DNA position 17, G replaced by A.
Protein change: p.Trp6Ter; replaces tryptophan 6 with a stop codon.
Molecular consequence: nonsense.
Genome position (GRCh38, 1-based): chr6:143,451,059, G>A. VCF-style: chr6-143451059-G-A. GRCh37 (hg19) VCF-style: chr6-143772196-G-A.
Other names: short protein forms W6*.
Identifiers: ClinVar variation 1457724 (VCV001457724.7), dbSNP rs1243154971, ClinGen allele CA365902038.